The following is an entry in ClinVar:

ClinVar aggregate classification (germline): Uncertain significance (1 of 4 stars; one submission).

Submission:

Labcorp Genetics (formerly Invitae), Labcorp
Classification: Uncertain significance. Last evaluated: 2022-07-07. Review status: criteria provided, single submitter. Criteria: Invitae Variant Classification Sherloc (09022015). Collection method: clinical testing. Allele origin: germline.
Comment: In summary, the available evidence is currently insufficient to determine the role of this variant in disease. Therefore, it has been classified as a Variant of Uncertain Significance. Experimental studies and prediction algorithms are not available or were not evaluated, and the effect of this variant on mRNA splicing is currently unknown. This variant has been observed in individual(s) with SLC20A2-related conditions (Invitae). This variant is not present in population databases (gnomAD no frequency). This sequence change falls in intron 4 of the SLC20A2 gene. It does not directly change the encoded amino acid sequence of the SLC20A2 protein.

NM_001257180.2(SLC20A2):c.516+9_516+10insAAAAAAGGTAAGTGGGCCGGGCGCGGTGGCTCACGCCTGTAATCCCAGCACTTTGGGAGGCCGAGGCGGGTGGATCATGAGGTCAGGNNNNNNNNNNAAAAAAAAAAAAAAAAAAAA

Gene: SLC20A2 (solute carrier family 20 member 2; minus strand). Cytogenetic location: 8p11.21.
Variant type: Insertion.
Coding change: c.516+9_516+10insAAAAAAGGTAAGTGGGCCGGGCGCGGTGGCTCACGCCTGTAATCCCAGCACTTTGGGAGGCCGAGGCGGGTGGATCATGAGGTCAGGNNNNNNNNNNAAAAAAAAAAAAAAAAAAAA on transcript NM_001257180.2 (MANE Select); bases 9 to 10 of the intron after coding-DNA position 516, AAAAAAGGTAAGTGGGCCGGGCGCGGTGGCTCACGCCTGTAATCCCAGCACTTTGGGAGGCCGAGGCGGGTGGATCATGAGGTCAGGNNNNNNNNNNAAAAAAAAAAAAAAAAAAAA inserted.
Molecular consequence: splice donor variant.
Genome position: GRCh38: chr8:42,463,011-42,463,012. GRCh37 (hg19): chr8:42,320,529-42,320,530.
Other names: c.516+9_516+10insAAAAAAGGTAAGTGGGCCGGGCGCGGTGGCTCACGCCTGTAATCCCAGCACTTTGGGAGGCCGAGGCGGGTGGATCATGAGGTCAGGNNNNNNNNNNAAAAAAAAAAAAAAAAAAAA (NM_006749.5, NM_001257181.2).
Identifiers: ClinVar variation 1996614 (VCV001996614.4), dbSNP rs2487523408.